The following is an entry in ClinVar:

ClinVar aggregate classification (germline): Uncertain significance (1 of 4 stars; one submission).

Conditions:
Inborn genetic diseases. Identifiers: MedGen C0950123, MeSH D030342.

gnomAD v4.1: 3 of 1,576,236 alleles (0.00019%); highest among the groups gnomAD compares: South Asian, 0.0011%; no homozygotes.

Submission:

Ambry Genetics
Classification: Uncertain significance for Inborn genetic diseases. Last evaluated: 2024-11-21. Review status: criteria provided, single submitter. Criteria: Ambry Variant Classification Scheme 2023. Collection method: clinical testing. Allele origin: germline.
Comment: The p.V65L variant (also known as c.193G>C), located in coding exon 2 of the ELANE gene, results from a G to C substitution at nucleotide position 193. The valine at codon 65 is replaced by leucine, an amino acid with highly similar properties. This amino acid position is conserved. In addition, this alteration is predicted to be deleterious by in silico analysis. Based on the available evidence, the clinical significance of this variant remains unclear.

NM_001972.4(ELANE):c.193G>C (p.Val65Leu)

Gene: ELANE (elastase, neutrophil expressed; plus strand). Cytogenetic location: 19p13.3.
Variant type: single nucleotide variant.
Coding change: c.193G>C on transcript NM_001972.4 (MANE Select); coding-DNA position 193, G replaced by C.
Protein change: p.Val65Leu; replaces valine 65 with leucine.
Molecular consequence: missense variant.
Genome position (GRCh38, 1-based): chr19:853,001, G>C. VCF-style: chr19-853001-G-C. GRCh37 (hg19) VCF-style: chr19-853001-G-C.
Other names: short protein forms V65L.
Identifiers: ClinVar variation 3507752 (VCV003507752.1).